The following is an entry in ClinVar:

ClinVar aggregate classification (germline): Uncertain significance (1 of 4 stars; one submission).

Allele frequency attached by ClinVar (database versions not stated): gnomAD 0.00001; gnomAD exomes 0.00001; ESP Exome Variant Server 0.00008.
gnomAD v4.1: 8 of 1,551,734 alleles (0.00052%); highest among the groups gnomAD compares: South Asian, 0.0012%; no homozygotes.

Submission:

Labcorp Genetics (formerly Invitae), Labcorp
Classification: Uncertain significance. Last evaluated: 2024-04-25. Review status: criteria provided, single submitter. Criteria: Invitae Variant Classification Sherloc (09022015). Collection method: clinical testing. Allele origin: germline.
Comment: This sequence change replaces valine, which is neutral and non-polar, with leucine, which is neutral and non-polar, at codon 15 of the SLC51B protein (p.Val15Leu). The frequency data for this variant in the population databases is considered unreliable, as metrics indicate poor data quality at this position in the gnomAD database. This variant has not been reported in the literature in individuals affected with SLC51B-related conditions. ClinVar contains an entry for this variant (Variation ID: 2153457). An algorithm developed to predict the effect of missense changes on protein structure and function (PolyPhen-2) suggests that this variant is likely to be tolerated. In summary, the available evidence is currently insufficient to determine the role of this variant in disease. Therefore, it has been classified as a Variant of Uncertain Significance.

NM_178859.4(SLC51B):c.43G>T (p.Val15Leu)

Genes: RASL12 (RAS like family 12; minus strand), SLC51B (SLC51 subunit beta; plus strand). Cytogenetic location: 15q22.31.
Variant type: single nucleotide variant.
Coding change: c.43G>T on transcript NM_178859.4 (MANE Select); coding-DNA position 43, G replaced by T.
Protein change: p.Val15Leu; replaces valine 15 with leucine.
Molecular consequence: missense variant.
Genome position (GRCh38, 1-based): chr15:65,050,047, G>T. VCF-style: chr15-65050047-G-T. GRCh37 (hg19) VCF-style: chr15-65342385-G-T.
Other names: short protein forms V15L.
Identifiers: ClinVar variation 2153457 (VCV002153457.4), dbSNP rs370875524, ClinGen allele CA271519348.